The following is an entry in ClinVar:

NM_181705.4(LYRM7):c.49A>G (p.Thr17Ala)

Gene: LYRM7 (LYR motif containing 7; plus strand). Cytogenetic location: 5q23.3.
Variant type: single nucleotide variant.
Coding change: c.49A>G on transcript NM_181705.4 (MANE Select); coding-DNA position 49, A replaced by G.
Protein change: p.Thr17Ala; replaces threonine 17 with alanine.
Molecular consequence: missense variant. On other transcripts: non-coding transcript variant (1).
Genome position (GRCh38, 1-based): chr5:131,180,125, A>G. VCF-style: chr5-131180125-A-G. GRCh37 (hg19) VCF-style: chr5-130515818-A-G.
Other names: c.49A>G, p.Thr17Ala (NM_001293735.2); c.49A>G (NM_181705.3, NM_181705.2); short protein forms T17A.
Identifiers: ClinVar variation 1967682 (VCV001967682.8), dbSNP rs757100338, ClinGen allele CA3398723.

ClinVar aggregate classification (germline): Uncertain significance. Review status: criteria provided, multiple submitters, no conflicts (2 of 4 stars). 4 submissions from 4 submitters: Uncertain significance (4). Last evaluated 2025-10-30.

Conditions:
Inborn genetic diseases. Identifiers: MedGen C0950123, MeSH D030342.

Allele frequency attached by ClinVar (database versions not stated): ExAC 0.00001; gnomAD 0.00002; gnomAD exomes 0.00002; TOPMed 0.00004.
gnomAD v4.1: 28 of 1,613,104 alleles (0.0017%); highest among the groups gnomAD compares: Non-Finnish European, 0.0021%; no homozygotes.

Submissions (4):

Ambry Genetics
Classification: Uncertain significance for Inborn genetic diseases. Last evaluated: 2025-10-30. Review status: criteria provided, single submitter. Criteria: Ambry Variant Classification Scheme 2023. Collection method: clinical testing. Allele origin: germline.

GeneDx
Classification: Uncertain significance. Last evaluated: 2025-02-11. Review status: criteria provided, single submitter. Criteria: GeneDx Variant Classification Process June 2021. Collection method: clinical testing. Allele origin: germline. Affected: yes.
Comment: Not observed at significant frequency in large population cohorts (gnomAD); In silico analysis supports that this missense variant has a deleterious effect on protein structure/function; Has not been previously published as pathogenic or benign to our knowledge

Blueprint Genetics
Classification: Uncertain significance. Last evaluated: 2024-06-14. Review status: criteria provided, single submitter. Criteria: ACMG Guidelines, 2015. Collection method: clinical testing. Allele origin: germline.

Labcorp Genetics (formerly Invitae), Labcorp
Classification: Uncertain significance. Last evaluated: 2024-04-05. Review status: criteria provided, single submitter. Criteria: Invitae Variant Classification Sherloc (09022015). Collection method: clinical testing. Allele origin: germline.
Comment: This sequence change replaces threonine, which is neutral and polar, with alanine, which is neutral and non-polar, at codon 17 of the LYRM7 protein (p.Thr17Ala). This variant is present in population databases (rs757100338, gnomAD 0.003%). This variant has not been reported in the literature in individuals affected with LYRM7-related conditions. ClinVar contains an entry for this variant (Variation ID: 1967682). An algorithm developed to predict the effect of missense changes on protein structure and function (PolyPhen-2) suggests that this variant is likely to be disruptive. In summary, the available evidence is currently insufficient to determine the role of this variant in disease. Therefore, it has been classified as a Variant of Uncertain Significance.